The following is an entry in ClinVar:

ClinVar aggregate classification (germline): Uncertain significance (1 of 4 stars; one submission).

Submission:

Labcorp Genetics (formerly Invitae), Labcorp
Classification: Uncertain significance. Last evaluated: 2024-05-15. Review status: criteria provided, single submitter. Criteria: Invitae Variant Classification Sherloc (09022015). Collection method: clinical testing. Allele origin: germline.
Comment: This sequence change replaces threonine, which is neutral and polar, with asparagine, which is neutral and polar, at codon 410 of the TAOK2 protein (p.Thr410Asn). This variant is not present in population databases (gnomAD no frequency). This variant has not been reported in the literature in individuals affected with TAOK2-related conditions. An algorithm developed to predict the effect of missense changes on protein structure and function (PolyPhen-2) suggests that this variant is likely to be disruptive. In summary, the available evidence is currently insufficient to determine the role of this variant in disease. Therefore, it has been classified as a Variant of Uncertain Significance.

NM_016151.4(TAOK2):c.1229C>A (p.Thr410Asn)

Gene: TAOK2 (TAO kinase 2; plus strand). Cytogenetic location: 16p11.2.
Variant type: single nucleotide variant.
Coding change: c.1229C>A on transcript NM_016151.4 (MANE Select); coding-DNA position 1229, C replaced by A.
Protein change: p.Thr410Asn; replaces threonine 410 with asparagine.
Molecular consequence: missense variant.
Genome position (GRCh38, 1-based): chr16:29,983,301, C>A. VCF-style: chr16-29983301-C-A. GRCh37 (hg19) VCF-style: chr16-29994622-C-A.
Other names: c.1229C>A, p.Thr410Asn (NM_001252043.2, NM_004783.4); short protein forms T410N.
Identifiers: ClinVar variation 3687368 (VCV003687368.2).